The following is an entry in ClinVar:

ClinVar aggregate classification (germline): Uncertain significance. Review status: criteria provided, multiple submitters, no conflicts (2 of 4 stars). 3 submissions from 3 submitters: Uncertain significance (3). Last evaluated 2024-05-25.

Conditions:
Hennekam lymphangiectasia-lymphedema syndrome 2 (HKLLS2). Identifiers: Orphanet 2136, MedGen C4014939, MONDO:0014454, OMIM 616006.
Van Maldergem syndrome 2 (VMLDS2). Identifiers: Orphanet 314679, MedGen C3809875, MONDO:0014242, OMIM 615546.
Congenital chromosomal disease. Also called: chromosomal abnormality; Chromosomal anomaly; Chromosomal disorder. Identifiers: Orphanet 68335, MedGen C0008626, MONDO:0019040.

Allele frequency attached by ClinVar (database versions not stated): ExAC 0.00001; gnomAD exomes 0.00001 and 0.00002.

Submissions (3):

Fulgent Genetics
Classification: Uncertain significance for Van Maldergem syndrome 2; Hennekam lymphangiectasia-lymphedema syndrome 2. Last evaluated: 2024-05-25. Review status: criteria provided, single submitter. Criteria: ACMG Guidelines, 2015. Collection method: clinical testing. Allele origin: germline.

Labcorp Genetics (formerly Invitae), Labcorp
Classification: Uncertain significance. Last evaluated: 2021-11-09. Review status: criteria provided, single submitter. Criteria: Invitae Variant Classification Sherloc (09022015). Collection method: clinical testing. Allele origin: germline.
Comment: This sequence change replaces tyrosine, which is neutral and polar, with cysteine, which is neutral and slightly polar, at codon 4565 of the FAT4 protein (p.Tyr4565Cys). This variant is present in population databases (rs772246636, gnomAD 0.002%). This variant has not been reported in the literature in individuals affected with FAT4-related conditions. Advanced modeling of protein sequence and biophysical properties (such as structural, functional, and spatial information, amino acid conservation, physicochemical variation, residue mobility, and thermodynamic stability) performed at Invitae indicates that this missense variant is not expected to disrupt FAT4 protein function. In summary, the available evidence is currently insufficient to determine the role of this variant in disease. Therefore, it has been classified as a Variant of Uncertain Significance.

Cambridge Genomics Laboratory, East Genomic Laboratory Hub, NHS Genomic Medicine Service
Classification: Uncertain significance for Congenital chromosomal disease. Last evaluated: 2019-09-26. Review status: criteria provided, single submitter. Criteria: ACGS Best Practice Guidelines for Variant Classification in Rare Disease 2020. Collection method: clinical testing. Allele origin: germline. Affected: yes. Observed: 1 variant allele.

NM_001291303.3(FAT4):c.13700A>G (p.Tyr4567Cys)

Gene: FAT4 (FAT atypical cadherin 4; plus strand). Cytogenetic location: 4q28.1.
Variant type: single nucleotide variant.
Coding change: c.13700A>G on transcript NM_001291303.3 (MANE Select); coding-DNA position 13700, A replaced by G.
Protein change: p.Tyr4567Cys; replaces tyrosine 4567 with cysteine.
Molecular consequence: missense variant.
Genome position (GRCh38, 1-based): chr4:125,490,516, A>G. VCF-style: chr4-125490516-A-G. GRCh37 (hg19) VCF-style: chr4-126411671-A-G.
Other names: c.13694A>G, p.Tyr4565Cys (NM_024582.6); c.13694A>G (NM_024582.5); c.13697A>G, p.Tyr4566Cys (NM_001291285.3); short protein forms Y4565C, Y4567C, Y4566C.
Identifiers: ClinVar variation 1373516 (VCV001373516.5), dbSNP rs772246636, ClinGen allele CA3074419.